The following is an entry in ClinVar:

ClinVar aggregate classification (germline): Uncertain significance. Review status: criteria provided, multiple submitters, no conflicts (2 of 4 stars). 2 submissions from 2 submitters: Uncertain significance (2). Last evaluated 2025-07-30.

Allele frequency attached by ClinVar (database versions not stated): gnomAD exomes below 0.00001; gnomAD 0.00002; 1000 Genomes Project 30x 0.00062; 1000 Genomes Project 0.00080.
gnomAD v4.1: 6 of 1,493,782 alleles (0.0004%); highest among the groups gnomAD compares: East Asian, 0.014%; no homozygotes.

Submissions (2):

Labcorp Genetics (formerly Invitae), Labcorp
Classification: Uncertain significance. Last evaluated: 2025-07-30. Review status: criteria provided, single submitter. Criteria: Invitae Variant Classification Sherloc (09022015). Collection method: clinical testing. Allele origin: germline.
Comment: This sequence change replaces serine, which is neutral and polar, with tyrosine, which is neutral and polar, at codon 488 of the CAMK2B protein (p.Ser488Tyr). The frequency data for this variant in the population databases is considered unreliable, as metrics indicate poor data quality at this position in the gnomAD database. This variant has not been reported in the literature in individuals affected with CAMK2B-related conditions. ClinVar contains an entry for this variant (Variation ID: 1907084). An algorithm developed to predict the effect of missense changes on protein structure and function (PolyPhen-2) suggests that this variant is likely to be tolerated. In summary, the available evidence is currently insufficient to determine the role of this variant in disease. Therefore, it has been classified as a Variant of Uncertain Significance.

Blueprint Genetics
Classification: Uncertain significance. Last evaluated: 2019-10-23. Review status: criteria provided, single submitter. Criteria: ACMG Guidelines, 2015. Collection method: clinical testing. Allele origin: germline.

NM_001220.5(CAMK2B):c.1463C>A (p.Ser488Tyr)

Gene: CAMK2B (calcium/calmodulin dependent protein kinase II beta; minus strand). Cytogenetic location: 7p13.
Variant type: single nucleotide variant.
Coding change: c.1463C>A on transcript NM_001220.5 (MANE Select); coding-DNA position 1463, C replaced by A.
Protein change: p.Ser488Tyr; replaces serine 488 with tyrosine.
Molecular consequence: missense variant. On other transcripts: intron variant (8).
Genome position (GRCh38, 1-based): chr7:44,228,801, G>T on the plus strand (C>A on the coding strand, the complement: CAMK2B is on the minus strand). VCF-style: chr7-44228801-G-T. GRCh37 (hg19) VCF-style: chr7-44268400-G-T.
Other names: c.947-7900C>A (NM_172084.3); c.1150+2205C>A (NM_172080.3); c.1036+2205C>A (NM_172083.3); c.1108+2205C>A (NM_172081.3); c.1153+2205C>A (NM_172079.3, NM_172082.3); c.1225+2205C>A (NM_001293170.2, NM_172078.3); short protein forms S488Y.
Identifiers: ClinVar variation 1907084 (VCV001907084.6), dbSNP rs574003384, ClinGen allele CA157917620.
Genomic context (GRCh38, chr7:44,228,801, plus strand): 5'-ATTCGCAGGGAGCTGTCCGGCAGCAGAGGCGGCAGGCCTGGGGGCCACTACTTACACGGG[G>T]AGGACAGGGGGCCTAGGAGAGCCGGAGACAGGCAGGGCGGGGGCCCCGCTGAGAGGGGGC-3'
Protein context (NP_001211.3, residues 478-498): LSPALLGPLS[Ser488Tyr]PSPRISDILN